The following is an entry in ClinVar:

ClinVar aggregate classification (germline): Uncertain significance (1 of 4 stars; one submission).

Conditions:
Catecholaminergic polymorphic ventricular tachycardia 1. Also called: VENTRICULAR TACHYCARDIA, CATECHOLAMINERGIC POLYMORPHIC, 1, WITH OR WITHOUT ATRIAL DYSFUNCTION AND/OR DILATED CARDIOMYOPATHY; RYR2-Related Catecholaminergic Polymorphic Ventricular Tachycardia; VENTRICULAR TACHYCARDIA, STRESS-INDUCED POLYMORPHIC 1. Identifiers: Orphanet 3286, MedGen C1631597, MONDO:0011484, OMIM 604772.

Submission:

Labcorp Genetics (formerly Invitae), Labcorp
Classification: Uncertain significance for Catecholaminergic polymorphic ventricular tachycardia 1. Last evaluated: 2020-11-17. Review status: criteria provided, single submitter. Criteria: Invitae Variant Classification Sherloc (09022015). Collection method: clinical testing. Allele origin: germline.
Comment: This sequence change replaces aspartic acid with glutamic acid at codon 383 of the CASQ2 protein (p.Asp383Glu). The aspartic acid residue is moderately conserved and there is a small physicochemical difference between aspartic acid and glutamic acid. This variant is not present in population databases (ExAC no frequency). This variant has not been reported in the literature in individuals with CASQ2-related conditions. Algorithms developed to predict the effect of missense changes on protein structure and function output the following: SIFT: "Tolerated"; PolyPhen-2: "Not Available"; Align-GVGD: "Class C0". The glutamic acid amino acid residue is found in multiple mammalian species, suggesting that this missense change does not adversely affect protein function. These predictions have not been confirmed by published functional studies and their clinical significance is uncertain. In summary, the available evidence is currently insufficient to determine the role of this variant in disease. Therefore, it has been classified as a Variant of Uncertain Significance.

NM_001232.4(CASQ2):c.1149T>A (p.Asp383Glu)

Gene: CASQ2 (calsequestrin 2; minus strand). Cytogenetic location: 1p13.1.
Variant type: single nucleotide variant.
Coding change: c.1149T>A on transcript NM_001232.4 (MANE Select); coding-DNA position 1149, T replaced by A.
Protein change: p.Asp383Glu; replaces aspartic acid 383 with glutamic acid.
Molecular consequence: missense variant.
Genome position (GRCh38, 1-based): chr1:115,701,292, A>T on the plus strand (T>A on the coding strand, the complement: CASQ2 is on the minus strand). VCF-style: chr1-115701292-A-T. GRCh37 (hg19) VCF-style: chr1-116243913-A-T.
Other names: short protein forms D383E.
Identifiers: ClinVar variation 1480642 (VCV001480642.9), dbSNP rs1206628721, ClinGen allele CA341766251.
Genomic context (GRCh38, chr1:115,701,292, plus strand): 5'-GGAGTTGGGCTATTCATCATCATCGTCATCACTGTCATCATTATCCTCTTCATCAGAATT[A>T]TCATCATCATCATCATCTTCATCATCATCTTCAGTGTTTATCTTTCCAGAAAGCACATCC-3'
Protein context (NP_001223.2, residues 373-393): EDDDEDDDDD[Asp383Glu]NSDEEDNDDS